The following is an entry in ClinVar:

NM_021625.5(TRPV4):c.1584+5G>C

Gene: TRPV4 (transient receptor potential cation channel subfamily V member 4; minus strand). Cytogenetic location: 12q24.11.
Variant type: single nucleotide variant.
Coding change: c.1584+5G>C on transcript NM_021625.5 (MANE Select); 5 bases into the intron after coding-DNA position 1584, G replaced by C.
Molecular consequence: intron variant.
Genome position (GRCh38, 1-based): chr12:109,793,925, C>G on the plus strand (G>C on the coding strand, the complement: TRPV4 is on the minus strand). VCF-style: chr12-109793925-C-G. GRCh37 (hg19) VCF-style: chr12-110231730-C-G.
Other names: c.1263+5G>C (NM_001177433.1); c.1443+5G>C (NM_001177428.1); c.1404+5G>C (NM_147204.2); c.1482+5G>C (NM_001177431.1).
Identifiers: ClinVar variation 2759627 (VCV002759627.3), dbSNP rs2548729892, ClinGen allele CA2697551528.

ClinVar aggregate classification (germline): Uncertain significance (1 of 4 stars; one submission).

Conditions:
Charcot-Marie-Tooth disease axonal type 2C (HMSN2C). Also called: CHARCOT-MARIE-TOOTH DISEASE, AXONAL, AUTOSOMAL DOMINANT, TYPE 2C; Charcot-Marie-Tooth Neuropathy Type 2C; Charcot-Marie-Tooth Disease Type 2, TRPV4-Related (CMT2C). Identifiers: Orphanet 99937, MedGen C1853710, MONDO:0011633, OMIM 606071.

Submission:

Labcorp Genetics (formerly Invitae), Labcorp
Classification: Uncertain significance for Charcot-Marie-Tooth disease axonal type 2C. Last evaluated: 2023-09-18. Review status: criteria provided, single submitter. Criteria: Invitae Variant Classification Sherloc (09022015). Collection method: clinical testing. Allele origin: germline.
Comment: In summary, the available evidence is currently insufficient to determine the role of this variant in disease. Therefore, it has been classified as a Variant of Uncertain Significance. Variants that disrupt the consensus splice site are a relatively common cause of aberrant splicing (PMID: 17576681, 9536098). Algorithms developed to predict the effect of sequence changes on RNA splicing suggest that this variant may create or strengthen a splice site. This variant has not been reported in the literature in individuals affected with TRPV4-related conditions. This variant is not present in population databases (gnomAD no frequency). This sequence change falls in intron 9 of the TRPV4 gene. It does not directly change the encoded amino acid sequence of the TRPV4 protein. It affects a nucleotide within the consensus splice site.

Literature cited by the submitters: PubMed 17576681; PubMed 9536098.